The following is an entry in ClinVar:

NM_173630.4(RTTN):c.6015C>T (p.Ala2005=)

Gene: RTTN (rotatin; minus strand). Cytogenetic location: 18q22.2.
Variant type: single nucleotide variant.
Coding change: c.6015C>T on transcript NM_173630.4 (MANE Select); coding-DNA position 6015, C replaced by T.
Protein change: p.Ala2005=; no amino-acid change (alanine 2005 retained).
Molecular consequence: synonymous variant.
Genome position (GRCh38, 1-based): chr18:70,020,753, G>A on the plus strand (C>T on the coding strand, the complement: RTTN is on the minus strand). VCF-style: chr18-70020753-G-A. GRCh37 (hg19) VCF-style: chr18-67687989-G-A.
Other names: c.3279C>T, p.Ala1093= (NM_001318520.2).
Identifiers: ClinVar variation 212085 (VCV000212085.51), dbSNP rs117183725, ClinGen allele CA207898.

ClinVar aggregate classification (germline): Benign/Likely benign. Review status: criteria provided, multiple submitters, no conflicts (2 of 4 stars). 5 submissions from 5 submitters: Benign (4); Likely benign (1). Last evaluated 2026-09-01.

Allele frequency attached by ClinVar (database versions not stated): 1000 Genomes Project 30x 0.00406; 1000 Genomes Project 0.00419; gnomAD 0.00590 and 0.00604; TOPMed 0.00597; gnomAD exomes 0.00704 and 0.00937; ExAC 0.00713; ESP Exome Variant Server 0.00760.
gnomAD v4.1: 14,605 of 1,613,954 alleles (0.9%); highest among the groups gnomAD compares: Middle Eastern, 2.5%; 93 homozygotes.

Submissions (5):

CeGaT Center for Human Genetics Tuebingen
Classification: Benign. Last evaluated: 2026-09-01. Review status: criteria provided, single submitter. Criteria: CeGaT Center For Human Genetics Tuebingen Variant Classification Criteria Version 2. Collection method: clinical testing. Allele origin: germline. Affected: yes. Observed: 50 variant alleles.
Comment: RTTN: BP4, BP7, BS1, BS2

Labcorp Genetics (formerly Invitae), Labcorp
Classification: Benign. Last evaluated: 2026-02-01. Review status: criteria provided, single submitter. Criteria: Invitae Variant Classification Sherloc (09022015). Collection method: clinical testing. Allele origin: germline.

Genetic Services Laboratory, University of Chicago
Classification: Benign. Last evaluated: 2018-02-07. Review status: criteria provided, single submitter. Criteria: ACMG Guidelines, 2015. Collection method: clinical testing. Allele origin: germline. Affected: no.

GeneDx
Classification: Benign. Last evaluated: 2016-08-01. Review status: criteria provided, single submitter. Criteria: GeneDx Variant Classification (06012015). Collection method: clinical testing. Allele origin: germline. Affected: yes.
Comment: This variant is considered likely benign or benign based on one or more of the following criteria: it is a conservative change, it occurs at a poorly conserved position in the protein, it is predicted to be benign by multiple in silico algorithms, and/or has population frequency not consistent with disease.

Breakthrough Genomics
Classification: Likely benign. Review status: criteria provided, single submitter. Criteria: ACMG Guidelines, 2015. Collection method: not provided. Allele origin: germline. Inheritance: Autosomal recessive inheritance. Affected: yes.